The following is an entry in ClinVar:

ClinVar aggregate classification (germline): Uncertain significance (1 of 4 stars; one submission).

Allele frequency attached by ClinVar (database versions not stated): TOPMed 0.00002; gnomAD 0.00003; ExAC 0.00004; gnomAD exomes 0.00006.

Submission:

Labcorp Genetics (formerly Invitae), Labcorp
Classification: Uncertain significance. Last evaluated: 2022-08-16. Review status: criteria provided, single submitter. Criteria: Invitae Variant Classification Sherloc (09022015). Collection method: clinical testing. Allele origin: germline.
Comment: In summary, the available evidence is currently insufficient to determine the role of this variant in disease. Therefore, it has been classified as a Variant of Uncertain Significance. Algorithms developed to predict the effect of missense changes on protein structure and function output the following: SIFT: "Tolerated"; PolyPhen-2: "Benign"; Align-GVGD: "Class C0". The valine amino acid residue is found in multiple mammalian species, which suggests that this missense change does not adversely affect protein function. This variant has not been reported in the literature in individuals affected with TELO2-related conditions. This variant is present in population databases (rs754646240, gnomAD 0.02%). This sequence change replaces alanine, which is neutral and non-polar, with valine, which is neutral and non-polar, at codon 111 of the TELO2 protein (p.Ala111Val).

NM_016111.4(TELO2):c.332C>T (p.Ala111Val)

Gene: TELO2 (telomere maintenance 2; plus strand). Cytogenetic location: 16p13.3.
Variant type: single nucleotide variant.
Coding change: c.332C>T on transcript NM_016111.4 (MANE Select); coding-DNA position 332, C replaced by T.
Protein change: p.Ala111Val; replaces alanine 111 with valine.
Molecular consequence: missense variant.
Genome position (GRCh38, 1-based): chr16:1,494,613, C>T. VCF-style: chr16-1494613-C-T. GRCh37 (hg19) VCF-style: chr16-1544614-C-T.
Other names: c.332C>T, p.Ala111Val (NM_001351846.2); short protein forms A111V.
Identifiers: ClinVar variation 1916081 (VCV001916081.5), dbSNP rs754646240, ClinGen allele CA7811592.
Genomic context (GRCh38, chr16:1,494,613, plus strand): 5'-TCCTGGAGGGCCCGGCGGACCAAGCCTTCCTGGTGTTGATGGAGACCATCGAGGGTGCTG[C>T]GGGGTGAGTGGGCTGGGCCCATCCTGGGGTTGCCGGTAGCCTCAGAAGTGATGAGAGTGG-3'
Protein context (NP_057195.2, residues 101-121): LVLMETIEGA[Ala111Val]GPSFRLMKMA